The following is an entry in ClinVar:

ClinVar aggregate classification (germline): Uncertain significance. Review status: criteria provided, multiple submitters, no conflicts (2 of 4 stars). 3 submissions from 3 submitters: Uncertain significance (3). Last evaluated 2024-07-18.

Conditions:
Arrhythmogenic right ventricular dysplasia 9 (ARVD9). Also called: ARRHYTHMOGENIC RIGHT VENTRICULAR DYSPLASIA, FAMILIAL, 9; Arrhythmogenic Right Ventricular Dysplasia/Cardiomyopathy 9. Identifiers: MedGen C1836906, MONDO:0012180, OMIM 609040.
Cardiomyopathy (CMYO). Also called: Cardiomyopathies. Identifiers: Orphanet 167848, MedGen C0878544, MONDO:0004994, HP:0001638. Inheritance: Various modes of inheritance.
Arrhythmogenic right ventricular cardiomyopathy (ARVD). Also called: Arrhythmogenic right ventricular dysplasia; Cardiomyopathy, ARVC; Arrhythmogenic cardiomyopathy; Arrhythmogenic Right Ventricular Cardiomyopathy (ARVC). Identifiers: Orphanet 247, MedGen C0349788, MeSH D019571, MONDO:0016587. Disease mechanism: loss of function. Inheritance: Various modes of inheritance.

Submissions (3):

Labcorp Genetics (formerly Invitae), Labcorp
Classification: Uncertain significance for Arrhythmogenic right ventricular dysplasia 9. Last evaluated: 2024-07-18. Review status: criteria provided, single submitter. Criteria: Invitae Variant Classification Sherloc (09022015). Collection method: clinical testing. Allele origin: germline.
Comment: This sequence change replaces alanine, which is neutral and non-polar, with glutamic acid, which is acidic and polar, at codon 41 of the PKP2 protein (p.Ala41Glu). This variant is not present in population databases (gnomAD no frequency). This variant has not been reported in the literature in individuals affected with PKP2-related conditions. An algorithm developed to predict the effect of missense changes on protein structure and function (PolyPhen-2) suggests that this variant is likely to be tolerated. In summary, the available evidence is currently insufficient to determine the role of this variant in disease. Therefore, it has been classified as a Variant of Uncertain Significance.

All of Us Research Program, National Institutes of Health
Classification: Uncertain significance for Arrhythmogenic right ventricular cardiomyopathy. Last evaluated: 2024-03-24. Review status: criteria provided, single submitter. Criteria: ACMG Guidelines, 2015. Collection method: clinical testing. Allele origin: germline. Inheritance: Autosomal dominant inheritance. Observed: 2 variant alleles, 2 heterozygotes.
Comment: This missense variant replaces alanine with glutamic acid at codon 41 of the PKP2 protein. Computational prediction suggests that this variant may not impact protein structure and function (internally defined REVEL score threshold <= 0.5, PMID: 27666373). To our knowledge, functional studies have not been reported for this variant. This variant has not been reported in individuals affected with PKP2-related disorders in the literature. This variant has not been identified in the general population by the Genome Aggregation Database (gnomAD). The available evidence is insufficient to determine the role of this variant in disease conclusively. Therefore, this variant is classified as a Variant of Uncertain Significance.

This study involves interpretation of variants in research participants for the purpose of population health screening. Participant phenotype was not available at the time of variant classification. Additional details can be found in publication PMID: 35346344, PMCID: PMC8962531

Color Diagnostics, LLC DBA Color Health
Classification: Uncertain significance for Cardiomyopathy. Last evaluated: 2024-01-30. Review status: criteria provided, single submitter. Criteria: ACMG Guidelines, 2015. Collection method: clinical testing. Allele origin: germline.
Comment: This missense variant replaces alanine with glutamic acid at codon 41 of the PKP2 protein. Computational prediction suggests that this variant may not impact protein structure and function. To our knowledge, functional studies have not been reported for this variant. This variant has not been reported in individuals affected with PKP2-related disorders in the literature. This variant has not been identified in the general population by the Genome Aggregation Database (gnomAD). The available evidence is insufficient to determine the role of this variant in disease conclusively. Therefore, this variant is classified as a Variant of Uncertain Significance.

NM_001005242.3(PKP2):c.122C>A (p.Ala41Glu)

Gene: PKP2 (plakophilin 2; minus strand). Cytogenetic location: 12p11.21.
Variant type: single nucleotide variant.
Coding change: c.122C>A on transcript NM_001005242.3 (MANE Select); coding-DNA position 122, C replaced by A.
Protein change: p.Ala41Glu; replaces alanine 41 with glutamic acid.
Molecular consequence: missense variant. On other transcripts: 5 prime UTR variant (4).
Genome position (GRCh38, 1-based): chr12:32,896,610, G>T on the plus strand (C>A on the coding strand, the complement: PKP2 is on the minus strand). VCF-style: chr12-32896610-G-T. GRCh37 (hg19) VCF-style: chr12-33049544-G-T.
Other names: c.-705C>A (NM_001407158.1, NM_001407162.1); c.-469C>A (NM_001407159.1, NM_001407160.1); c.122C>A, p.Ala41Glu (NM_001407161.1, NM_004572.4, NM_001407155.1 and 2 more transcripts); short protein forms A41E.
Identifiers: ClinVar variation 3387505 (VCV003387505.4).